The following is an entry in ClinVar:

ClinVar aggregate classification (germline): Uncertain significance (1 of 4 stars; one submission).

Submission:

Dasa
Classification: Uncertain significance. Last evaluated: 2025-09-11. Review status: criteria provided, single submitter. Criteria: DASA Assertion Criteria. Collection method: clinical testing. Allele origin: germline.
Comment: NM_001202544.3(CUX1):c.1409C>A (p.Ala470Glu) is a missense variant that results in the substitution of alanine with glutamic acid. This variant is absent from population databases. Computational prediction algorithms are consistent with a benign effect. The currently available literature and clinical evidence are not sufficient to establish a definitive association between this variant and the reported condition. Therefore, this variant is classified as a variant of uncertain significance.

NM_001913.5(CUX1):c.1457C>A (p.Ala486Glu)

Gene: CUX1 (cut like homeobox 1; plus strand). Cytogenetic location: 7q22.1.
Variant type: single nucleotide variant.
Coding change: c.1457C>A on transcript NM_001913.5 (MANE Plus Clinical); coding-DNA position 1457, C replaced by A.
Protein change: p.Ala486Glu; replaces alanine 486 with glutamic acid.
Molecular consequence: missense variant.
Genome position (GRCh38, 1-based): chr7:102,275,253, C>A. VCF-style: chr7-102275253-C-A. GRCh37 (hg19) VCF-style: chr7-101918524-C-A.
Other names: c.1409C>A, p.Ala470Glu (NM_001202544.3); c.1319C>A, p.Ala440Glu (NM_001202545.3); c.1340C>A, p.Ala447Glu (NM_001202546.3); c.1451C>A, p.Ala484Glu (NM_181500.4); short protein forms A440E, A447E, A470E, A484E, A486E.
Identifiers: ClinVar variation 4881312 (VCV004881312.2).